The following is an entry in ClinVar:

NM_001267550.2(TTN):c.105594T>A (p.Asn35198Lys)

Genes: TTN-AS1 (TTN antisense RNA 1; plus strand), TTN (titin; minus strand), LOC129935183 (ATAC-STARR-seq lymphoblastoid active region 16808; plus strand). Cytogenetic location: 2q31.2.
Variant type: single nucleotide variant.
Coding change: c.105594T>A on transcript NM_001267550.2 (MANE Select); coding-DNA position 105594, T replaced by A.
Protein change: p.Asn35198Lys; replaces asparagine 35198 with lysine.
Molecular consequence: missense variant.
Genome position (GRCh38, 1-based): chr2:178,531,021, A>T on the plus strand (T>A on the coding strand, the complement: TTN is on the minus strand). VCF-style: chr2-178531021-A-T. GRCh37 (hg19) VCF-style: chr2-179395748-A-T.
Other names: c.100671T>A, p.Asn33557Lys (NM_001256850.1); c.78399T>A, p.Asn26133Lys (NM_003319.4); c.97890T>A, p.Asn32630Lys (NM_133378.4); c.78774T>A, p.Asn26258Lys (NM_133432.3); c.78975T>A, p.Asn26325Lys (NM_133437.4); short protein forms N26133K, N26258K, N26325K, N32630K, N33557K, N35198K.
Identifiers: ClinVar variation 3760273 (VCV003760273.2).

ClinVar aggregate classification (germline): Uncertain significance (1 of 4 stars; one submission).

Conditions:
Dilated cardiomyopathy 1G (CMD1G). Identifiers: Orphanet 154, MedGen C1858763, MONDO:0011400, OMIM 604145.
Autosomal recessive limb-girdle muscular dystrophy type 2J (LGMDR10). Also called: Limb-girdle muscular dystrophy, type 2J; MUSCULAR DYSTROPHY, LIMB-GIRDLE, AUTOSOMAL RECESSIVE 10. Identifiers: Orphanet 140922, MedGen C1837342, MONDO:0012127, OMIM 608807.

gnomAD v4.1: 1 of 1,613,848 alleles (0.000062%); highest among the groups gnomAD compares: East Asian, 0.0022%; no homozygotes.

Submission:

Labcorp Genetics (formerly Invitae), Labcorp
Classification: Uncertain significance for Dilated cardiomyopathy 1G; Autosomal recessive limb-girdle muscular dystrophy type 2J. Last evaluated: 2025-01-08. Review status: criteria provided, single submitter. Criteria: Invitae Variant Classification Sherloc (09022015). Collection method: clinical testing. Allele origin: germline.
Comment: This sequence change replaces asparagine, which is neutral and polar, with lysine, which is basic and polar, at codon 35198 of the TTN protein (p.Asn35198Lys). This variant is present in population databases (no rsID available, gnomAD 0.006%). This variant has not been reported in the literature in individuals affected with TTN-related conditions. Experimental studies and prediction algorithms are not available or were not evaluated, and the functional significance of this variant is currently unknown. This variant is located in the M band of TTN (PMID: 25589632). Non-truncating variants in this region may be relevant for neuromuscular disorders, but have not been definitively shown to cause cardiomyopathy (PMID: 23975875). In summary, the available evidence is currently insufficient to determine the role of this variant in disease. Therefore, it has been classified as a Variant of Uncertain Significance.

Literature cited by the submitters: PubMed 25589632; PubMed 23975875.